The following is an entry in ClinVar:

NM_024675.4(PALB2):c.2515-16A>G

Gene: PALB2 (partner and localizer of BRCA2; minus strand). Cytogenetic location: 16p12.2.
Variant type: single nucleotide variant.
Coding change: c.2515-16A>G on transcript NM_024675.4 (MANE Select); 16 bases into the intron before coding-DNA position 2515, A replaced by G.
Molecular consequence: intron variant.
Genome position (GRCh38, 1-based): chr16:23,629,291, T>C on the plus strand (A>G on the coding strand, the complement: PALB2 is on the minus strand). VCF-style: chr16-23629291-T-C. GRCh37 (hg19) VCF-style: chr16-23640612-T-C.
Identifiers: ClinVar variation 511358 (VCV000511358.4), dbSNP rs1555460241, ClinGen allele CA658798574.

ClinVar aggregate classification (germline): Likely benign. Review status: criteria provided, multiple submitters, no conflicts (2 of 4 stars). 2 submissions from 2 submitters: Likely benign (2). Last evaluated 2022-10-27.

Conditions:
Familial cancer of breast. Also called: hereditary breast carcinoma; BREAST CANCER, FAMILIAL; Hereditary breast cancer. Identifiers: Orphanet 227535, MedGen C0346153, MONDO:0016419, OMIM 114480. Disease mechanism: loss of function.

Allele frequency attached by ClinVar (database versions not stated): gnomAD exomes below 0.00001.
gnomAD v4.1: 1 of 1,607,976 alleles (0.000062%); highest among the groups gnomAD compares: African/African-American, 0.0013%; no homozygotes.

Submissions (2):

Labcorp Genetics (formerly Invitae), Labcorp
Classification: Likely benign for Familial cancer of breast. Last evaluated: 2022-10-27. Review status: criteria provided, single submitter. Criteria: Invitae Variant Classification Sherloc (09022015). Collection method: clinical testing. Allele origin: germline.

GeneDx
Classification: Likely benign. Last evaluated: 2017-08-15. Review status: criteria provided, single submitter. Criteria: GeneDx Variant Classification (06012015). Collection method: clinical testing. Allele origin: germline. Affected: yes.
Comment: This variant is considered likely benign or benign based on one or more of the following criteria: it is a conservative change, it occurs at a poorly conserved position in the protein, it is predicted to be benign by multiple in silico algorithms, and/or has population frequency not consistent with disease.